The following is an entry in ClinVar:

ClinVar aggregate classification (germline): Uncertain significance (1 of 4 stars; one submission).

Allele frequency attached by ClinVar (database versions not stated): gnomAD 0.00001; gnomAD exomes below 0.00001; TOPMed 0.00002; ExAC 0.00003.
gnomAD v4.1: 5 of 1,611,160 alleles (0.00031%); highest among the groups gnomAD compares: East Asian, 0.011%; no homozygotes.

Submission:

Labcorp Genetics (formerly Invitae), Labcorp
Classification: Uncertain significance. Last evaluated: 2025-04-28. Review status: criteria provided, single submitter. Criteria: Invitae Variant Classification Sherloc (09022015). Collection method: clinical testing. Allele origin: germline.
Comment: This sequence change falls in intron 5 of the MCPH1 gene. It does not directly change the encoded amino acid sequence of the MCPH1 protein. It affects a nucleotide within the consensus splice site. This variant is present in population databases (rs765371917, gnomAD 0.04%). This variant has not been reported in the literature in individuals affected with MCPH1-related conditions. ClinVar contains an entry for this variant (Variation ID: 2092617). Variants that disrupt the consensus splice site are a relatively common cause of aberrant splicing (PMID: 17576681, 9536098). Algorithms developed to predict the effect of sequence changes on RNA splicing suggest that this variant is not likely to affect RNA splicing. In summary, the available evidence is currently insufficient to determine the role of this variant in disease. Therefore, it has been classified as a Variant of Uncertain Significance.

Literature cited by the submitters: PubMed 17576681; PubMed 9536098.

NM_024596.5(MCPH1):c.437-3C>T

Gene: MCPH1 (microcephalin 1; plus strand). Cytogenetic location: 8p23.1.
Variant type: single nucleotide variant.
Coding change: c.437-3C>T on transcript NM_024596.5 (MANE Select); 3 bases into the intron before coding-DNA position 437, C replaced by T.
Molecular consequence: intron variant.
Genome position (GRCh38, 1-based): chr8:6,438,950, C>T. VCF-style: chr8-6438950-C-T. GRCh37 (hg19) VCF-style: chr8-6296471-C-T.
Other names: c.437-3C>T (NM_001322042.2, NM_001363980.2, NM_001363979.1 and 1 more transcripts); c.436+2788C>T (NM_001172575.2); c.431-3C>T (NM_001322043.2); c.335-3C>T (NM_001322045.2).
Identifiers: ClinVar variation 2092617 (VCV002092617.2), dbSNP rs765371917, ClinGen allele CA4610247.